The following is an entry in ClinVar:

ClinVar aggregate classification (germline): Uncertain significance. Review status: criteria provided, multiple submitters, no conflicts (2 of 4 stars). 2 submissions from 2 submitters: Uncertain significance (2). Last evaluated 2024-10-12.

Allele frequency attached by ClinVar (database versions not stated): gnomAD 0.00027 and 0.00031; ESP Exome Variant Server 0.00046.
gnomAD v4.1: 79 of 1,614,110 alleles (0.0049%); highest among the groups gnomAD compares: African/African-American, 0.084%; no homozygotes.

Submissions (2):

Ambry Genetics
Classification: Uncertain significance. Last evaluated: 2024-10-12. Review status: criteria provided, single submitter. Criteria: Ambry Variant Classification Scheme 2023. Collection method: clinical testing. Allele origin: germline.

Labcorp Genetics (formerly Invitae), Labcorp
Classification: Uncertain significance. Last evaluated: 2022-08-23. Review status: criteria provided, single submitter. Criteria: Invitae Variant Classification Sherloc (09022015). Collection method: clinical testing. Allele origin: germline.
Comment: This sequence change replaces arginine, which is basic and polar, with proline, which is neutral and non-polar, at codon 104 of the DEF6 protein (p.Arg104Pro). This variant is present in population databases (rs150604825, gnomAD 0.1%). This variant has not been reported in the literature in individuals affected with DEF6-related conditions. ClinVar contains an entry for this variant (Variation ID: 1503063). Algorithms developed to predict the effect of missense changes on protein structure and function are either unavailable or do not agree on the potential impact of this missense change (SIFT: "Deleterious"; PolyPhen-2: "Benign"; Align-GVGD: "Class C15"). In summary, the available evidence is currently insufficient to determine the role of this variant in disease. Therefore, it has been classified as a Variant of Uncertain Significance.

NM_022047.4(DEF6):c.311G>C (p.Arg104Pro)

Gene: DEF6 (DEF6 guanine nucleotide exchange factor; plus strand). Cytogenetic location: 6p21.31.
Variant type: single nucleotide variant.
Coding change: c.311G>C on transcript NM_022047.4 (MANE Select); coding-DNA position 311, G replaced by C.
Protein change: p.Arg104Pro; replaces arginine 104 with proline.
Molecular consequence: missense variant.
Genome position (GRCh38, 1-based): chr6:35,310,532, G>C. VCF-style: chr6-35310532-G-C. GRCh37 (hg19) VCF-style: chr6-35278309-G-C.
Other names: c.311G>C (NM_022047.3); short protein forms R104P.
Identifiers: ClinVar variation 1503063 (VCV001503063.5), dbSNP rs150604825, ClinGen allele CA3770697.
Genomic context (GRCh38, chr6:35,310,532, plus strand): 5'-CTTTTGTTAAAGAGCACTTTGATGAGCTGTGCTGGACGCTGACGGCCAAGAAGAACTATC[G>C]GGCAGATAGCAACGGGAACAGTATGCTCTCCAATCAGGATGCCTTCCGCCTCTGGTGCCT-3'
Protein context (NP_071330.3, residues 94-114): CWTLTAKKNY[Arg104Pro]ADSNGNSMLS